The following is an entry in ClinVar:

ClinVar aggregate classification (germline): Uncertain significance (1 of 4 stars; one submission).

Conditions:
Inborn genetic diseases. Identifiers: MedGen C0950123, MeSH D030342.

Submission:

Ambry Genetics
Classification: Uncertain significance for Inborn genetic diseases. Last evaluated: 2022-07-27. Review status: criteria provided, single submitter. Criteria: Ambry Variant Classification Scheme 2023. Collection method: clinical testing. Allele origin: germline.
Comment: The p.E529D variant (also known as c.1587A>C), located in coding exon 9 of the PIK3CA gene, results from an A to C substitution at nucleotide position 1587. The glutamic acid at codon 529 is replaced by aspartic acid, an amino acid with highly similar properties. This amino acid position is conserved. In addition, the in silico prediction for this alteration is inconclusive. Since supporting evidence is limited at this time, the clinical significance of this alteration remains unclear.

NM_006218.4(PIK3CA):c.1587A>C (p.Glu529Asp)

Gene: PIK3CA (phosphatidylinositol-4,5-bisphosphate 3-kinase catalytic subunit alpha; plus strand). Cytogenetic location: 3q26.32.
Variant type: single nucleotide variant.
Coding change: c.1587A>C on transcript NM_006218.4 (MANE Select); coding-DNA position 1587, A replaced by C.
Protein change: p.Glu529Asp; replaces glutamic acid 529 with aspartic acid.
Molecular consequence: missense variant.
Genome position (GRCh38, 1-based): chr3:179,218,257, A>C. VCF-style: chr3-179218257-A-C. GRCh37 (hg19) VCF-style: chr3-178936045-A-C.
Other names: short protein forms E529D.
Identifiers: ClinVar variation 1775813 (VCV001775813.2), dbSNP rs1366386478, ClinGen allele CA355264816.